The following is an entry in ClinVar:

NM_024675.4(PALB2):c.386C>T (p.Pro129Leu)

Gene: PALB2 (partner and localizer of BRCA2; minus strand). Cytogenetic location: 16p12.2.
Variant type: single nucleotide variant.
Coding change: c.386C>T on transcript NM_024675.4 (MANE Select); coding-DNA position 386, C replaced by T.
Protein change: p.Pro129Leu; replaces proline 129 with leucine.
Molecular consequence: missense variant.
Genome position (GRCh38, 1-based): chr16:23,636,160, G>A on the plus strand (C>T on the coding strand, the complement: PALB2 is on the minus strand). VCF-style: chr16-23636160-G-A. GRCh37 (hg19) VCF-style: chr16-23647481-G-A.
Other names: c.326C>T, p.Pro109Leu (NM_001407296.1); c.386C>T, p.Pro129Leu (NM_001407297.1, NM_001407298.1, NM_001407299.1 and 3 more transcripts); c.-500C>T (NM_001407304.1, NM_001407305.1, NM_001407306.1 and 5 more transcripts); short protein forms P109L, P129L.
Identifiers: ClinVar variation 1735678 (VCV001735678.2), dbSNP rs1555461810, ClinGen allele CA395137459.

ClinVar aggregate classification (germline): Uncertain significance (1 of 4 stars; one submission).

Conditions:
Hereditary cancer-predisposing syndrome. Also called: Neoplastic Syndromes, Hereditary; Tumor predisposition; Hereditary Cancer Syndrome; Hereditary neoplastic syndrome. Identifiers: Orphanet 140162, MedGen C0027672, MeSH D009386, MONDO:0015356.

Submission:

Ambry Genetics
Classification: Uncertain significance for Hereditary cancer-predisposing syndrome. Last evaluated: 2019-08-04. Review status: criteria provided, single submitter. Criteria: Ambry Variant Classification Scheme 2023. Collection method: clinical testing. Allele origin: germline.
Comment: The p.P129L variant (also known as c.386C>T), located in coding exon 4 of the PALB2 gene, results from a C to T substitution at nucleotide position 386. The proline at codon 129 is replaced by leucine, an amino acid with similar properties. This amino acid position is not well conserved in available vertebrate species. In addition, this alteration is predicted to be tolerated by in silico analysis. Since supporting evidence is limited at this time, the clinical significance of this alteration remains unclear.